The following is an entry in ClinVar:

NM_001348716.2(KDM6B):c.1282C>T (p.Pro428Ser)

Gene: KDM6B (lysine demethylase 6B; plus strand). Cytogenetic location: 17p13.1.
Variant type: single nucleotide variant.
Coding change: c.1282C>T on transcript NM_001348716.2 (MANE Select); coding-DNA position 1282, C replaced by T.
Protein change: p.Pro428Ser; replaces proline 428 with serine.
Molecular consequence: missense variant.
Genome position (GRCh38, 1-based): chr17:7,847,570, C>T. VCF-style: chr17-7847570-C-T. GRCh37 (hg19) VCF-style: chr17-7750888-C-T.
Other names: c.1282C>T, p.Pro428Ser (NM_001080424.2); short protein forms P428S.
Identifiers: ClinVar variation 2433074 (VCV002433074.4), dbSNP rs769456998, ClinGen allele CA8360595.

ClinVar aggregate classification (germline): Uncertain significance. Review status: criteria provided, multiple submitters, no conflicts (2 of 4 stars). 2 submissions from 2 submitters: Uncertain significance (2). Last evaluated 2024-05-25.

Conditions:
Neurodevelopmental disorder with coarse facies and mild distal skeletal abnormalities. Also called: STOLERMAN NEURODEVELOPMENTAL SYNDROME. Identifiers: MedGen C5193134, MONDO:0032790, OMIM 618505.

Allele frequency attached by ClinVar (database versions not stated): ExAC 0.00001.
gnomAD v4.1: 5 of 1,613,352 alleles (0.00031%); highest among the groups gnomAD compares: South Asian, 0.0022%; no homozygotes.

Submissions (2):

Johns Hopkins Genomics, Johns Hopkins University
Classification: Uncertain significance for Neurodevelopmental disorder with coarse facies and mild distal skeletal abnormalities. Last evaluated: 2024-05-25. Review status: criteria provided, single submitter. Criteria: ACMG Guidelines, 2015. Collection method: clinical testing. Allele origin: germline.
Comment: PM2, BP4

Revvity Omics, Revvity
Classification: Uncertain significance for Neurodevelopmental disorder with coarse facies and mild distal skeletal abnormalities. Last evaluated: 2021-12-31. Review status: criteria provided, single submitter. Criteria: ACMG Guidelines, 2015. Collection method: clinical testing. Allele origin: germline.

Literature cited by the submitters: PubMed 31124279 (cited by Johns Hopkins Genomics, Johns Hopkins University); PubMed 37196654 (cited by Johns Hopkins Genomics, Johns Hopkins University).